The following is an entry in ClinVar:

ClinVar aggregate classification (germline): Likely pathogenic (1 of 4 stars; one submission).

Conditions:
CASK-related disorder. Also called: CASK-related disorders; CASK-related condition.

Submission:

PreventionGenetics, part of Exact Sciences
Classification: Likely pathogenic for CASK-related condition. Last evaluated: 2023-06-02. Review status: criteria provided, single submitter. Criteria: ACMG Guidelines, 2015. Collection method: clinical testing. Allele origin: germline.
Comment: The CASK c.1668+5G>A variant is predicted to interfere with splicing. This variant is predicted to substantially weaken the canonical splice donor site (Alamut Visual Plus v1.6.1), although in silico predictors are not equivalent to function evidence. Variants at the +1 position of this exon-intron junction have been reported in patients with CASK related disorders (Moog. 2011. PubMed ID: 21954287; Ye. 2022. PubMed ID: 35709690). This variant has not been reported in a large population database, indicating this variant is rare. This variant is interpreted as likely pathogenic.

NM_001367721.1(CASK):c.1668+5G>A

Gene: CASK (calcium/calmodulin dependent serine protein kinase; minus strand). Cytogenetic location: Xp11.4.
Variant type: single nucleotide variant.
Coding change: c.1668+5G>A on transcript NM_001367721.1 (MANE Select); 5 bases into the intron after coding-DNA position 1668, G replaced by A.
Molecular consequence: intron variant.
Genome position (GRCh38, 1-based): chrX:41,561,554, C>T on the plus strand (G>A on the coding strand, the complement: CASK is on the minus strand). VCF-style: chrX-41561554-C-T. GRCh37 (hg19) VCF-style: chrX-41420807-C-T.
Other names: c.1650+5G>A (NM_001126055.3, NM_001410745.1); c.1668+5G>A (NM_001126054.3, NM_003688.4).
Identifiers: ClinVar variation 2632769 (VCV002632769.1), dbSNP rs2519772582, ClinGen allele CA2695200179.